The following is an entry in ClinVar:

ClinVar aggregate classification (germline): Uncertain significance (1 of 4 stars; one submission).

Conditions:
Holoprosencephaly 3 (HPE3). Identifiers: Orphanet 2162, MedGen C1840529, MONDO:0007733, OMIM 142945.

Submission:

Laboratory of Medical Genetics, National & Kapodistrian University of Athens
Classification: Uncertain significance for Holoprosencephaly 3. Last evaluated: 2022-05-17. Review status: criteria provided, single submitter. Criteria: ACMG Guidelines, 2015. Collection method: clinical testing. Allele origin: germline. Affected: yes.
Comment: PM2, PP2, PP3

NM_000193.4(SHH):c.716T>C (p.Leu239Pro)

Gene: SHH (sonic hedgehog signaling molecule; minus strand). Cytogenetic location: 7q36.3.
Variant type: single nucleotide variant.
Coding change: c.716T>C on transcript NM_000193.4 (MANE Select); coding-DNA position 716, T replaced by C.
Protein change: p.Leu239Pro; replaces leucine 239 with proline.
Molecular consequence: missense variant. On other transcripts: intron variant (1).
Genome position (GRCh38, 1-based): chr7:155,803,573, A>G on the plus strand (T>C on the coding strand, the complement: SHH is on the minus strand). VCF-style: chr7-155803573-A-G. GRCh37 (hg19) VCF-style: chr7-155596267-A-G.
Other names: c.301+2723T>C (NM_001310462.2); short protein forms L239P.
Identifiers: ClinVar variation 1708110 (VCV001708110.1), dbSNP rs2535894299, ClinGen allele CA370146316.